The following is an entry in ClinVar:

ClinVar aggregate classification (germline): Likely pathogenic (1 of 4 stars; one submission).

Allele frequency attached by ClinVar (database versions not stated): gnomAD exomes below 0.00001; TOPMed 0.00001; gnomAD 0.00001.
gnomAD v4.1: 6 of 1,610,594 alleles (0.00037%); highest among the groups gnomAD compares: Non-Finnish European, 0.00051%; no homozygotes.

Submission:

GeneDx
Classification: Likely pathogenic. Last evaluated: 2023-11-07. Review status: criteria provided, single submitter. Criteria: GeneDx Variant Classification Process June 2021. Collection method: clinical testing. Allele origin: germline. Affected: yes.
Comment: Not observed at significant frequency in large population cohorts (gnomAD); Has not been previously published as pathogenic or benign to our knowledge; In silico analysis supports that this missense variant has a deleterious effect on protein structure/function

NM_183050.4(BCKDHB):c.305G>C (p.Gly102Ala)

Gene: BCKDHB (branched chain keto acid dehydrogenase E1 subunit beta; plus strand). Cytogenetic location: 6q14.1.
Variant type: single nucleotide variant.
Coding change: c.305G>C on transcript NM_183050.4 (MANE Select); coding-DNA position 305, G replaced by C.
Protein change: p.Gly102Ala; replaces glycine 102 with alanine.
Molecular consequence: missense variant. On other transcripts: non-coding transcript variant (1).
Genome position (GRCh38, 1-based): chr6:80,129,191, G>C. VCF-style: chr6-80129191-G-C. GRCh37 (hg19) VCF-style: chr6-80838908-G-C.
Other names: c.305G>C, p.Gly102Ala (NM_000056.5); c.95G>C, p.Gly32Ala (NM_001318975.1); short protein forms G102A, G32A.
Identifiers: ClinVar variation 432178 (VCV000432178.3), dbSNP rs987877790, ClinGen allele CA142279587.